The following is an entry in ClinVar:

ClinVar aggregate classification (germline): Uncertain significance (1 of 4 stars; one submission).

Allele frequency attached by ClinVar (database versions not stated): gnomAD exomes 0.00001; TOPMed 0.00001.
gnomAD v4.1: 9 of 1,613,954 alleles (0.00056%); highest among the groups gnomAD compares: Middle Eastern, 0.033%; no homozygotes.

Submission:

Labcorp Genetics (formerly Invitae), Labcorp
Classification: Uncertain significance. Last evaluated: 2022-08-23. Review status: criteria provided, single submitter. Criteria: Invitae Variant Classification Sherloc (09022015). Collection method: clinical testing. Allele origin: germline.
Comment: This sequence change replaces isoleucine, which is neutral and non-polar, with valine, which is neutral and non-polar, at codon 183 of the ARHGEF18 protein (p.Ile183Val). This variant is present in population databases (no rsID available, gnomAD 0.003%). This variant has not been reported in the literature in individuals affected with ARHGEF18-related conditions. ClinVar contains an entry for this variant (Variation ID: 1431586). Algorithms developed to predict the effect of missense changes on protein structure and function output the following: SIFT: "Tolerated"; PolyPhen-2: "Benign"; Align-GVGD: "Class C0". The valine amino acid residue is found in multiple mammalian species, which suggests that this missense change does not adversely affect protein function. Algorithms developed to predict the effect of sequence changes on RNA splicing suggest that this variant may create or strengthen a splice site. In summary, the available evidence is currently insufficient to determine the role of this variant in disease. Therefore, it has been classified as a Variant of Uncertain Significance.

NM_001367823.1(ARHGEF18):c.1111A>G (p.Ile371Val)

Gene: ARHGEF18 (Rho/Rac guanine nucleotide exchange factor 18; plus strand). Cytogenetic location: 19p13.2.
Variant type: single nucleotide variant.
Coding change: c.1111A>G on transcript NM_001367823.1 (MANE Select); coding-DNA position 1111, A replaced by G.
Protein change: p.Ile371Val; replaces isoleucine 371 with valine.
Molecular consequence: missense variant.
Genome position (GRCh38, 1-based): chr19:7,441,657, A>G. VCF-style: chr19-7441657-A-G. GRCh37 (hg19) VCF-style: chr19-7506543-A-G.
Other names: c.385A>G, p.Ile129Val (NM_001130955.2); c.73A>G, p.Ile25Val (NM_001367824.1, NM_015318.4); short protein forms I129V, I25V, I371V.
Identifiers: ClinVar variation 1431586 (VCV001431586.3), dbSNP rs937167089, ClinGen allele CA304879121.